The following is an entry in ClinVar:

NM_024854.5(PYROXD1):c.349A>G (p.Lys117Glu)

Gene: PYROXD1 (pyridine nucleotide-disulphide oxidoreductase domain 1; plus strand). Cytogenetic location: 12p12.1.
Variant type: single nucleotide variant.
Coding change: c.349A>G on transcript NM_024854.5 (MANE Select); coding-DNA position 349, A replaced by G.
Protein change: p.Lys117Glu; replaces lysine 117 with glutamic acid.
Molecular consequence: missense variant. On other transcripts: 5 prime UTR variant (1).
Genome position (GRCh38, 1-based): chr12:21,449,626, A>G. VCF-style: chr12-21449626-A-G. GRCh37 (hg19) VCF-style: chr12-21602560-A-G.
Other names: c.136A>G, p.Lys46Glu (NM_001350912.2); c.-355A>G (NM_001350913.2); short protein forms K46E, K117E.
Identifiers: ClinVar variation 1996062 (VCV001996062.4), dbSNP rs773386033, ClinGen allele CA6478180.

ClinVar aggregate classification (germline): Uncertain significance (1 of 4 stars; one submission).

Allele frequency attached by ClinVar (database versions not stated): ExAC 0.00001; gnomAD exomes 0.00001.
gnomAD v4.1: 11 of 1,613,084 alleles (0.00068%); highest among the groups gnomAD compares: Admixed American, 0.0017%; no homozygotes.

Submission:

Labcorp Genetics (formerly Invitae), Labcorp
Classification: Uncertain significance. Last evaluated: 2022-11-01. Review status: criteria provided, single submitter. Criteria: Invitae Variant Classification Sherloc (09022015). Collection method: clinical testing. Allele origin: germline.
Comment: This variant is present in population databases (rs773386033, gnomAD 0.003%). This sequence change replaces lysine, which is basic and polar, with glutamic acid, which is acidic and polar, at codon 117 of the PYROXD1 protein (p.Lys117Glu). This variant has not been reported in the literature in individuals affected with PYROXD1-related conditions. Advanced modeling of protein sequence and biophysical properties (such as structural, functional, and spatial information, amino acid conservation, physicochemical variation, residue mobility, and thermodynamic stability) performed at Invitae indicates that this missense variant is not expected to disrupt PYROXD1 protein function. In summary, the available evidence is currently insufficient to determine the role of this variant in disease. Therefore, it has been classified as a Variant of Uncertain Significance.